The following is an entry in ClinVar:

ClinVar aggregate classification (germline): Likely benign (1 of 4 stars; one submission).

Submission:

Women's Health and Genetics/Laboratory Corporation of America, LabCorp
Classification: Likely benign. Last evaluated: 2024-03-01. Review status: criteria provided, single submitter. Criteria: LabCorp Variant Classification Summary - May 2015. Collection method: clinical testing. Allele origin: germline.
Comment: Variant summary: CAMK2B c.1266C>T alters a non-conserved nucleotide resulting in a synonymous change. Consensus agreement among computation tools predict no significant impact on normal splicing. However, these predictions have yet to be confirmed by functional studies. The variant was absent in 89178 control chromosomes (gnomAD). The available data on variant occurrences in the general population are insufficient to allow any conclusion about variant significance. To our knowledge, no occurrence of c.1266C>T in individuals affected with Intellectual Disability, Autosomal Dominant 54 and no experimental evidence demonstrating its impact on protein function have been reported. No submitters have cited clinical-significance assessments for this variant to ClinVar. Based on the evidence outlined above, the variant was classified as likely benign.

NM_001220.5(CAMK2B):c.1266C>T (p.Gly422=)

Gene: CAMK2B (calcium/calmodulin dependent protein kinase II beta; minus strand). Cytogenetic location: 7p13.
Variant type: single nucleotide variant.
Coding change: c.1266C>T on transcript NM_001220.5 (MANE Select); coding-DNA position 1266, C replaced by T.
Protein change: p.Gly422=; no amino-acid change (glycine 422 retained).
Molecular consequence: synonymous variant. On other transcripts: intron variant (8).
Genome position (GRCh38, 1-based): chr7:44,229,461, G>A on the plus strand (C>T on the coding strand, the complement: CAMK2B is on the minus strand). VCF-style: chr7-44229461-G-A. GRCh37 (hg19) VCF-style: chr7-44269060-G-A.
Other names: c.947-8560C>T (NM_172084.3); c.1150+1545C>T (NM_172080.3); c.1036+1545C>T (NM_172083.3); c.1108+1545C>T (NM_172081.3); c.1153+1545C>T (NM_172079.3, NM_172082.3); c.1225+1545C>T (NM_001293170.2, NM_172078.3).
Identifiers: ClinVar variation 3233718 (VCV003233718.2), dbSNP rs1309206191, ClinGen allele CA454610050.